The following is an entry in ClinVar:

ClinVar aggregate classification (germline): Conflicting classifications of pathogenicity. Review status: criteria provided, conflicting classifications (1 of 4 stars). 4 submissions from 4 submitters: Uncertain significance (1); Likely benign (3). Last evaluated 2025-08-26.

Conditions:
Polycystic kidney disease, adult type (PKD1). Also called: Polycystic Kidney, Autosomal Dominant; POLYCYSTIC KIDNEY DISEASE 1 WITH OR WITHOUT POLYCYSTIC LIVER DISEASE; Polycystic Kidney Disease 1, Autosomal Dominant; Polycystic kidney disease 1; Polycystic kidney disease 1, severe; POLYCYSTIC KIDNEY DISEASE, ADULT, TYPE I. Identifiers: MedGen C3149841, MONDO:0008263, OMIM 173900.
Autosomal dominant polycystic kidney disease. Identifiers: Orphanet 730, MedGen C0085413, MONDO:0004691.

Allele frequency attached by ClinVar (database versions not stated): gnomAD exomes 0.00003; ExAC 0.00004; TOPMed 0.00008; gnomAD 0.00009.
gnomAD v4.1: 66 of 1,571,020 alleles (0.0042%); highest among the groups gnomAD compares: Admixed American, 0.016%; no homozygotes.

Submissions (4):

Mayo Clinic Laboratories, Mayo Clinic
Classification: Likely benign. Last evaluated: 2025-08-26. Review status: criteria provided, single submitter. Criteria: ACMG Guidelines, 2015. Collection method: clinical testing. Allele origin: germline. Observed: 1 variant allele.
Comment: BP4_moderate, BP5

Women's Health and Genetics/Laboratory Corporation of America, LabCorp
Classification: Uncertain significance. Last evaluated: 2025-06-27. Review status: criteria provided, single submitter. Criteria: LabCorp Variant Classification Summary - May 2015. Collection method: clinical testing. Allele origin: germline.
Comment: Variant summary: PKD1 c.1673C>T (p.Thr558Met) results in a non-conservative amino acid change in the encoded protein sequence. Algorithms developed to predict the effect of missense changes on protein structure and function are either unavailable or do not agree on the potential impact of this missense change. The variant allele was found at a frequency of 3.2e-05 in 189030 control chromosomes. The available data on variant occurrences in the general population are insufficient to allow any conclusion about variant significance. c.1673C>T has been observed in individual(s) affected with Polycystic Kidney Disease 1, without strong evidence for causailyt (Liu_2015, Ali_2022). These report(s) do not provide unequivocal conclusions about association of the variant with Polycystic Kidney Disease 1. To our knowledge, no experimental evidence demonstrating an impact on protein function has been reported. The following publications have been ascertained in the context of this evaluation (PMID: 26632257, 36755831). ClinVar contains an entry for this variant (Variation ID: 3068665). Based on the evidence outlined above, the variant was classified as uncertain significance.

Fulgent Genetics
Classification: Likely benign for Polycystic kidney disease, adult type. Last evaluated: 2024-03-15. Review status: criteria provided, single submitter. Criteria: ACMG Guidelines, 2015. Collection method: clinical testing. Allele origin: germline.

Molecular Genetics, Royal Melbourne Hospital
Classification: Likely benign for Autosomal dominant polycystic kidney disease. Last evaluated: 2023-05-04. Review status: criteria provided, single submitter. Criteria: ACMG Guidelines, 2015. Collection method: clinical testing. Allele origin: germline. Affected: no.
Comment: This sequence change in PKD1 is predicted to replace threonine with methionine at codon 558, p.(Thr558Met). The threonine residue is moderately conserved (100 vertebrates, UCSC) and computational evidence predicts a benign effect for the missense substitution (REVEL = 0.025).This variant has been observed in a patient with an alternate molecular basis for disease and co-occurs with a de novo pathogenic frameshift variant (c.11313delG, p.Ser3771SerfsX54) (PMID:26632257). Based on the classification scheme RMH Modified ACMG/AMP Guidelines v1.5.1, this variant is classified as LIKELY BENIGN. Following criteria are met: BP4, BP5

Literature cited by the submitters: PubMed 26632257 (cited by 3 submitters); PubMed 36755831 (cited by Mayo Clinic Laboratories, Mayo Clinic and Women's Health and Genetics/Laboratory Corporation of America, LabCorp).

NM_001009944.3(PKD1):c.1673C>T (p.Thr558Met)

Gene: PKD1 (polycystin 1, transient receptor potential channel interacting; minus strand). Cytogenetic location: 16p13.3.
Variant type: single nucleotide variant.
Coding change: c.1673C>T on transcript NM_001009944.3 (MANE Select); coding-DNA position 1673, C replaced by T.
Protein change: p.Thr558Met; replaces threonine 558 with methionine.
Molecular consequence: missense variant.
Genome position (GRCh38, 1-based): chr16:2,116,578, G>A on the plus strand (C>T on the coding strand, the complement: PKD1 is on the minus strand). VCF-style: chr16-2116578-G-A. GRCh37 (hg19) VCF-style: chr16-2166579-G-A.
Other names: p.Thr558Met; c.1673C>T, p.Thr558Met (NM_000296.4); short protein forms T558M.
Identifiers: ClinVar variation 3068665 (VCV003068665.4), dbSNP rs781572938, ClinGen allele CA7833454.